The following is an entry in ClinVar:

NM_001367624.2(ZNF469):c.10003C>T (p.Pro3335Ser)

Genes: ZNF469 (zinc finger protein 469; plus strand), LOC130059719 (ATAC-STARR-seq lymphoblastoid silent region 7848; plus strand). Cytogenetic location: 16q24.2.
Variant type: single nucleotide variant.
Coding change: c.10003C>T on transcript NM_001367624.2 (MANE Select); coding-DNA position 10003, C replaced by T.
Protein change: p.Pro3335Ser; replaces proline 3335 with serine.
Molecular consequence: missense variant.
Genome position (GRCh38, 1-based): chr16:88,437,473, C>T. VCF-style: chr16-88437473-C-T. GRCh37 (hg19) VCF-style: chr16-88503881-C-T.
Other names: NM_001127464.2:c.9919C>T; NM_001127464.1:c.9919C>T; short protein forms P3335S.
Identifiers: ClinVar variation 1702166 (VCV001702166.6), dbSNP rs1252058328, ClinGen allele CA397125421.

ClinVar aggregate classification (germline): Uncertain significance. Review status: criteria provided, multiple submitters, no conflicts (2 of 4 stars). 2 submissions from 2 submitters: Uncertain significance (2). Last evaluated 2024-08-31.

Conditions:
Cardiovascular phenotype. Identifiers: MedGen CN230736.
Ehlers-Danlos syndrome (EDS). Identifiers: Orphanet 98249, MedGen C0013720, MONDO:0020066.

gnomAD v4.1: 8 of 1,536,732 alleles (0.00052%); highest among the groups gnomAD compares: Non-Finnish European, 0.0007%; no homozygotes.

Submissions (2):

Ambry Genetics
Classification: Uncertain significance for Cardiovascular phenotype. Last evaluated: 2024-08-31. Review status: criteria provided, single submitter. Criteria: Ambry Variant Classification Scheme 2023. Collection method: clinical testing. Allele origin: germline.
Comment: The p.P3307S variant (also known as c.9919C>T), located in coding exon 2 of the ZNF469 gene, results from a C to T substitution at nucleotide position 9919. The proline at codon 3307 is replaced by serine, an amino acid with similar properties. This amino acid position is conserved. In addition, this alteration is predicted to be tolerated by in silico analysis. Since supporting evidence is limited at this time, the clinical significance of this alteration remains unclear.

Genome Diagnostics Laboratory, The Hospital for Sick Children
Classification: Uncertain significance for Ehlers-Danlos syndrome. Last evaluated: 2019-09-01. Review status: criteria provided, single submitter. Criteria: ACMG Guidelines, 2015. Collection method: clinical testing. Allele origin: germline.